The following is an entry in ClinVar:

NM_002209.3(ITGAL):c.480G>A (p.Leu160=)

Gene: ITGAL (integrin subunit alpha L; plus strand). Cytogenetic location: 16p11.2.
Variant type: single nucleotide variant.
Coding change: c.480G>A on transcript NM_002209.3 (MANE Select); coding-DNA position 480, G replaced by A.
Protein change: p.Leu160=; no amino-acid change (leucine 160 retained).
Molecular consequence: synonymous variant. On other transcripts: intron variant (1).
Genome position (GRCh38, 1-based): chr16:30,479,365, G>A. VCF-style: chr16-30479365-G-A. GRCh37 (hg19) VCF-style: chr16-30490686-G-A.
Other names: c.328-2074G>A (NM_001114380.2).
Identifiers: ClinVar variation 4872239 (VCV004872239.2).
Genomic context (GRCh38, chr16:30,479,365, plus strand): 5'-GGGTCCCTTGCGTCTGGCTTCTGCAGAATGTATCAAGGGCAACGTAGACCTGGTATTTCT[G>A]TTTGATGGTTCGATGAGCTTGCAGCCAGATGAATTTCAGAAAATTCTGGACTTCATGAAG-3'
Protein context (NP_002200.2, residues 150-170): CIKGNVDLVF[Leu160=]FDGSMSLQPD

ClinVar aggregate classification (germline): Likely benign (1 of 4 stars; one submission).

gnomAD v4.1: 434 of 1,613,986 alleles (0.027%); highest among the groups gnomAD compares: Non-Finnish European, 0.035%; no homozygotes.

Submission:

CeGaT Center for Human Genetics Tuebingen
Classification: Likely benign. Last evaluated: 2026-04-01. Review status: criteria provided, single submitter. Criteria: CeGaT Center For Human Genetics Tuebingen Variant Classification Criteria Version 2. Collection method: clinical testing. Allele origin: germline. Affected: yes. Observed: 1 variant allele.
Comment: ITGAL: BP4, BP7